The following is an entry in ClinVar:

ClinVar aggregate classification (germline): Uncertain significance (1 of 4 stars; one submission).

Conditions:
Hereditary insensitivity to pain with anhidrosis (CIPA). Also called: FAMILIAL DYSAUTONOMIA, TYPE II; hereditary sensory and autonomic neuropathy type 4; INSENSITIVITY TO PAIN, CONGENITAL, WITH ANHIDROSIS; HSAN Type IV; NTRK1 Congenital Insensitivity to Pain with Anhidrosis; NEUROPATHY, CONGENITAL SENSORY, WITH ANHIDROSIS. Identifiers: Orphanet 642, MedGen C0020074, MONDO:0009746, OMIM 256800.

gnomAD v4.1: 2 of 1,585,274 alleles (0.00013%); highest among the groups gnomAD compares: African/African-American, 0.0013%; no homozygotes.

Submission:

Labcorp Genetics (formerly Invitae), Labcorp
Classification: Uncertain significance for Hereditary insensitivity to pain with anhidrosis. Last evaluated: 2022-07-30. Review status: criteria provided, single submitter. Criteria: Invitae Variant Classification Sherloc (09022015). Collection method: clinical testing. Allele origin: germline.
Comment: This sequence change replaces aspartic acid, which is acidic and polar, with glutamic acid, which is acidic and polar, at codon 57 of the NTRK1 protein (p.Asp57Glu). This variant is not present in population databases (gnomAD no frequency). This variant has not been reported in the literature in individuals affected with NTRK1-related conditions. Advanced modeling of protein sequence and biophysical properties (such as structural, functional, and spatial information, amino acid conservation, physicochemical variation, residue mobility, and thermodynamic stability) performed at Invitae indicates that this missense variant is not expected to disrupt NTRK1 protein function. In summary, the available evidence is currently insufficient to determine the role of this variant in disease. Therefore, it has been classified as a Variant of Uncertain Significance.

NM_002529.4(NTRK1):c.171T>G (p.Asp57Glu)

Gene: NTRK1 (neurotrophic receptor tyrosine kinase 1; plus strand). Cytogenetic location: 1q23.1.
Variant type: single nucleotide variant.
Coding change: c.171T>G on transcript NM_002529.4 (MANE Select); coding-DNA position 171, T replaced by G.
Protein change: p.Asp57Glu; replaces aspartic acid 57 with glutamic acid.
Molecular consequence: missense variant. On other transcripts: intron variant (1).
Genome position (GRCh38, 1-based): chr1:156,861,105, T>G. VCF-style: chr1-156861105-T-G. GRCh37 (hg19) VCF-style: chr1-156830897-T-G.
Other names: c.171T>G, p.Asp57Glu (NM_001007204.1, NM_001012331.2); c.123-3249T>G (NM_001007792.1); short protein forms D57E.
Identifiers: ClinVar variation 1933815 (VCV001933815.5), dbSNP rs1368793761, ClinGen allele CA342929968.